The following is an entry in ClinVar:

ClinVar aggregate classification (germline): Benign/Likely benign. Review status: criteria provided, multiple submitters, no conflicts (2 of 4 stars). 3 submissions from 3 submitters: Benign (1); Likely benign (2). Last evaluated 2026-06-17.

Conditions:
Hereditary cancer-predisposing syndrome. Also called: Neoplastic Syndromes, Hereditary; Hereditary Cancer Syndrome; Hereditary neoplastic syndrome; Tumor predisposition. Identifiers: Orphanet 140162, MedGen C0027672, MeSH D009386, MONDO:0015356.
Gastrointestinal stromal tumor. Also called: Gastrointestinal stroma tumor; Gastrointestinal stromal tumor, somatic. Identifiers: Orphanet 44890, MedGen C0238198, MeSH D046152, MONDO:0011719, OMIM 606764, HP:0100723.
Polyps, multiple and recurrent inflammatory fibroid, gastrointestinal. Identifiers: MedGen C5193005, MONDO:0008285, OMIM 175510.

Allele frequency attached by ClinVar (database versions not stated): gnomAD exomes below 0.00001.
gnomAD v4.1: 1 of 1,612,398 alleles (0.000062%); highest among the groups gnomAD compares: Non-Finnish European, 0.000085%; no homozygotes.

Submissions (3):

Myriad Genetics, Inc.
Classification: Benign for Polyps, multiple and recurrent inflammatory fibroid, gastrointestinal. Last evaluated: 2026-06-17. Review status: criteria provided, single submitter. Criteria: Myriad Autosomal Dominant, Autosomal Recessive and X-Linked Classification Criteria (2023). Collection method: clinical testing. Allele origin: unknown.
Comment: This variant is considered benign. This variant is a silent/synonymous amino acid change and it is not expected to impact splicing.

Labcorp Genetics (formerly Invitae), Labcorp
Classification: Likely benign for Gastrointestinal stromal tumor. Last evaluated: 2024-03-05. Review status: criteria provided, single submitter. Criteria: Invitae Variant Classification Sherloc (09022015). Collection method: clinical testing. Allele origin: germline.

Ambry Genetics
Classification: Likely benign for Hereditary cancer-predisposing syndrome. Last evaluated: 2023-08-25. Review status: criteria provided, single submitter. Criteria: Ambry Variant Classification Scheme 2023. Collection method: clinical testing. Allele origin: germline.

NM_006206.6(PDGFRA):c.1788T>C (p.Gly596=)

Gene: PDGFRA (platelet derived growth factor receptor alpha; plus strand). Cytogenetic location: 4q12.
Variant type: single nucleotide variant.
Coding change: c.1788T>C on transcript NM_006206.6 (MANE Select); coding-DNA position 1788, T replaced by C.
Protein change: p.Gly596=; no amino-acid change (glycine 596 retained).
Molecular consequence: synonymous variant.
Genome position (GRCh38, 1-based): chr4:54,277,389, T>C. VCF-style: chr4-54277389-T-C. GRCh37 (hg19) VCF-style: chr4-55143556-T-C.
Other names: c.1788T>C (NM_006206.4); c.1788T>C, p.Gly596= (NM_001347827.2, NM_001347829.2); c.1863T>C, p.Gly621= (NM_001347828.2); c.1827T>C, p.Gly609= (NM_001347830.2).
Identifiers: ClinVar variation 1098139 (VCV001098139.12), dbSNP rs2110308164, ClinGen allele CA439287241.
Genomic context (GRCh38, chr4:54,277,389, plus strand): 5'-GCAGAAAGCTGAGGAGGCGTCTGGAGTTTTTGGGTGTTAATGATTCTGCCTGCCCACAGG[T>C]CGGGTCTTGGGGTCTGGAGCGTTTGGGAAGGTGGTTGAAGGAACAGCCTATGGATTAAGC-3'
Protein context (NP_006197.1, residues 586-606): WEFPRDGLVL[Gly596=]RVLGSGAFGK